The following is an entry in ClinVar:

NM_006269.2(RP1):c.3328G>C (p.Gly1110Arg)

Gene: RP1 (RP1 axonemal microtubule associated; plus strand). Cytogenetic location: 8q12.1.
Variant type: single nucleotide variant.
Coding change: c.3328G>C on transcript NM_006269.2 (MANE Select); coding-DNA position 3328, G replaced by C.
Protein change: p.Gly1110Arg; replaces glycine 1110 with arginine.
Molecular consequence: missense variant. On other transcripts: intron variant (1).
Genome position (GRCh38, 1-based): chr8:54,627,210, G>C. VCF-style: chr8-54627210-G-C. GRCh37 (hg19) VCF-style: chr8-55539770-G-C.
Other names: c.787+4922G>C (NM_001375654.1); short protein forms G1110R.
Identifiers: ClinVar variation 1961873 (VCV001961873.5), dbSNP rs770966886, ClinGen allele CA4751670.

ClinVar aggregate classification (germline): Uncertain significance (1 of 4 stars; one submission).

Allele frequency attached by ClinVar (database versions not stated): gnomAD exomes below 0.00001; ExAC 0.00001.
gnomAD v4.1: 2 of 1,614,028 alleles (0.00012%); highest among the groups gnomAD compares: Non-Finnish European, 0.00017%; no homozygotes.

Submission:

Labcorp Genetics (formerly Invitae), Labcorp
Classification: Uncertain significance. Last evaluated: 2022-02-22. Review status: criteria provided, single submitter. Criteria: Invitae Variant Classification Sherloc (09022015). Collection method: clinical testing. Allele origin: germline.
Comment: In summary, the available evidence is currently insufficient to determine the role of this variant in disease. Therefore, it has been classified as a Variant of Uncertain Significance. Algorithms developed to predict the effect of missense changes on protein structure and function are either unavailable or do not agree on the potential impact of this missense change (SIFT: "Tolerated"; PolyPhen-2: "Possibly Damaging"; Align-GVGD: "Class C0"). This variant has not been reported in the literature in individuals affected with RP1-related conditions. This variant is present in population databases (rs770966886, gnomAD 0.0009%). This sequence change replaces glycine, which is neutral and non-polar, with arginine, which is basic and polar, at codon 1110 of the RP1 protein (p.Gly1110Arg).